The following is an entry in ClinVar:

ClinVar aggregate classification (germline): Pathogenic (1 of 4 stars; one submission).

Submission:

Quest Diagnostics Nichols Institute San Juan Capistrano
Classification: Pathogenic. Last evaluated: 2022-07-26. Review status: criteria provided, single submitter. Criteria: ACMG/ClinGen CNV Guidelines, 2019. Collection method: clinical testing. Allele origin: unknown.
Comment: This copy number loss of 6q27 involves multiple genes, including DLL1 (OMIM 606582). Pathogenic sequence variants and deletions of DLL1 have been associated with a neurodevelopmental disorder with nonspecific brain abnormalities and with or without seizures (OMIM 618709). References: Fischer-Zirnsak et al. Am J Hum Genet 2019;105(3):631-639. PMID: 31353024 Hanna et al. Mol Syndromol 2019;10(4):202-208. PMID: 31602192 Xie et al. Glob Med Genet 2022;9(2):166-174. PMID: 35707784

GRCh37/hg19 6q27(chr6:170441452-170808613)x1

Genes: DLL1 (delta like canonical Notch ligand 1; minus strand), FAM120B (family with sequence similarity 120 member B; plus strand). Cytogenetic location: 6q27.
Variant type: copy number loss.
Change: copy number 1 (one copy instead of two) of chr6:170,441,452-170,808,613 (367.2 kb, GRCh37 coordinates, 1-based), cytogenetic band 6q27.
Identifiers: ClinVar variation 2685223 (VCV002685223.1).